The following is an entry in ClinVar:

ClinVar aggregate classification (germline): Uncertain significance (1 of 4 stars; one submission).

Conditions:
Adams-Oliver syndrome 5 (AOS5). Identifiers: Orphanet 974, MedGen C4014970, MONDO:0014459, OMIM 616028.

Submission:

Labcorp Genetics (formerly Invitae), Labcorp
Classification: Uncertain significance for Adams-Oliver syndrome 5. Last evaluated: 2023-12-03. Review status: criteria provided, single submitter. Criteria: Invitae Variant Classification Sherloc (09022015). Collection method: clinical testing. Allele origin: germline.
Comment: This sequence change replaces glycine, which is neutral and non-polar, with alanine, which is neutral and non-polar, at codon 1177 of the NOTCH1 protein (p.Gly1177Ala). This variant is not present in population databases (gnomAD no frequency). This variant has not been reported in the literature in individuals affected with NOTCH1-related conditions. Advanced modeling of protein sequence and biophysical properties (such as structural, functional, and spatial information, amino acid conservation, physicochemical variation, residue mobility, and thermodynamic stability) performed at Invitae indicates that this missense variant is expected to disrupt NOTCH1 protein function with a positive predictive value of 80%. In summary, the available evidence is currently insufficient to determine the role of this variant in disease. Therefore, it has been classified as a Variant of Uncertain Significance.

NM_017617.5(NOTCH1):c.3530G>C (p.Gly1177Ala)

Gene: NOTCH1 (notch receptor 1; minus strand). Cytogenetic location: 9q34.3.
Variant type: single nucleotide variant.
Coding change: c.3530G>C on transcript NM_017617.5 (MANE Select); coding-DNA position 3530, G replaced by C.
Protein change: p.Gly1177Ala; replaces glycine 1177 with alanine.
Molecular consequence: missense variant.
Genome position (GRCh38, 1-based): chr9:136,507,418, C>G on the plus strand (G>C on the coding strand, the complement: NOTCH1 is on the minus strand). VCF-style: chr9-136507418-C-G. GRCh37 (hg19) VCF-style: chr9-139401870-C-G.
Other names: short protein forms G1177A.
Identifiers: ClinVar variation 2700434 (VCV002700434.3), dbSNP rs2133345304, ClinGen allele CA375550103.